The following is an entry in ClinVar:

NM_003823.4(TNFRSF6B):c.62T>C (p.Leu21Pro)

Genes: RTEL1-TNFRSF6B (RTEL1-TNFRSF6B readthrough (NMD candidate); plus strand), TNFRSF6B (TNF receptor superfamily member 6b; plus strand). Cytogenetic location: 20q13.33.
Variant type: single nucleotide variant.
Coding change: c.62T>C on transcript NM_003823.4 (MANE Select); coding-DNA position 62, T replaced by C.
Protein change: p.Leu21Pro; replaces leucine 21 with proline.
Molecular consequence: missense variant. On other transcripts: non-coding transcript variant (1).
Genome position (GRCh38, 1-based): chr20:63,696,829, T>C. VCF-style: chr20-63696829-T-C. GRCh37 (hg19) VCF-style: chr20-62328182-T-C.
Other names: c.62T>C (NM_003823.3); short protein forms L21P.
Identifiers: ClinVar variation 1443788 (VCV001443788.10), dbSNP rs368965127, ClinGen allele CA9966297.

ClinVar aggregate classification (germline): Uncertain significance. Review status: criteria provided, multiple submitters, no conflicts (2 of 4 stars). 2 submissions from 2 submitters: Uncertain significance (2). Last evaluated 2025-07-02.

Allele frequency attached by ClinVar (database versions not stated): gnomAD exomes 0.00001 and 0.00003; ExAC 0.00002; gnomAD 0.00009; ESP Exome Variant Server 0.00016; TOPMed 0.00016.

Submissions (2):

Ambry Genetics
Classification: Uncertain significance. Last evaluated: 2025-07-02. Review status: criteria provided, single submitter. Criteria: Ambry Variant Classification Scheme 2023. Collection method: clinical testing. Allele origin: germline.

Labcorp Genetics (formerly Invitae), Labcorp
Classification: Uncertain significance. Last evaluated: 2025-06-12. Review status: criteria provided, single submitter. Criteria: Invitae Variant Classification Sherloc (09022015). Collection method: clinical testing. Allele origin: germline.
Comment: This sequence change replaces leucine, which is neutral and non-polar, with proline, which is neutral and non-polar, at codon 21 of the TNFRSF6B protein (p.Leu21Pro). This variant is present in population databases (rs368965127, gnomAD 0.04%). This variant has not been reported in the literature in individuals affected with TNFRSF6B-related conditions. ClinVar contains an entry for this variant (Variation ID: 1443788). Experimental studies and prediction algorithms are not available or were not evaluated, and the functional significance of this variant is currently unknown. In summary, the available evidence is currently insufficient to determine the role of this variant in disease. Therefore, it has been classified as a Variant of Uncertain Significance.